The following is an entry in ClinVar:

ClinVar aggregate classification (germline): Likely benign (1 of 4 stars; one submission).

Submission:

CeGaT Center for Human Genetics Tuebingen
Classification: Likely benign. Last evaluated: 2025-06-01. Review status: criteria provided, single submitter. Criteria: CeGaT Center For Human Genetics Tuebingen Variant Classification Criteria Version 2. Collection method: clinical testing. Allele origin: germline. Affected: yes. Observed: 1 variant allele.
Comment: ERVV-1: BP4, BP7

NM_152473.3(ERVV-1):c.180T>A (p.Ile60=)

Gene: ERVV-1 (endogenous retrovirus group V member 1, envelope; plus strand). Cytogenetic location: 19q13.41.
Variant type: single nucleotide variant.
Coding change: c.180T>A on transcript NM_152473.3 (MANE Select); coding-DNA position 180, T replaced by A.
Protein change: p.Ile60=; no amino-acid change (isoleucine 60 retained).
Molecular consequence: synonymous variant.
Genome position (GRCh38, 1-based): chr19:53,014,270, T>A. VCF-style: chr19-53014270-T-A. GRCh37 (hg19) VCF-style: chr19-53517523-T-A.
Identifiers: ClinVar variation 3905357 (VCV003905357.10).
Genomic context (GRCh38, chr19:53,014,270, plus strand): 5'-TCTAAGCAACTGTTGGATCTGCCACAACTTCATCACCAGGTCCTCATCTTACCAATATAT[T>A]TTGGTAAGAAATTTTTCTTTAAACCTAACATTTGGTTCAGGAATCCCTGAAGGCCAACAT-3'
Protein context (NP_689686.2, residues 50-70): FITRSSSYQY[Ile60=]LVRNFSLNLT